The following is an entry in ClinVar:

NM_001008537.3(NEXMIF):c.1460G>T (p.Arg487Ile)

Gene: NEXMIF (neurite extension and migration factor; minus strand). Cytogenetic location: Xq13.3.
Variant type: single nucleotide variant.
Coding change: c.1460G>T on transcript NM_001008537.3 (MANE Select); coding-DNA position 1460, G replaced by T.
Protein change: p.Arg487Ile; replaces arginine 487 with isoleucine.
Molecular consequence: missense variant.
Genome position (GRCh38, 1-based): chrX:74,743,097, C>A on the plus strand (G>T on the coding strand, the complement: NEXMIF is on the minus strand). VCF-style: chrX-74743097-C-A. GRCh37 (hg19) VCF-style: chrX-73962932-C-A.
Other names: short protein forms R487I.
Identifiers: ClinVar variation 1497639 (VCV001497639.8), dbSNP rs2080113049, ClinGen allele CA413670457.

ClinVar aggregate classification (germline): Uncertain significance (1 of 4 stars; one submission).

Allele frequency attached by ClinVar (database versions not stated): TOPMed 0.00001.

Submission:

Labcorp Genetics (formerly Invitae), Labcorp
Classification: Uncertain significance. Last evaluated: 2022-08-31. Review status: criteria provided, single submitter. Criteria: Invitae Variant Classification Sherloc (09022015). Collection method: clinical testing. Allele origin: germline.
Comment: In summary, the available evidence is currently insufficient to determine the role of this variant in disease. Therefore, it has been classified as a Variant of Uncertain Significance. Algorithms developed to predict the effect of missense changes on protein structure and function (SIFT, PolyPhen-2, Align-GVGD) all suggest that this variant is likely to be disruptive. ClinVar contains an entry for this variant (Variation ID: 1497639). This variant has not been reported in the literature in individuals affected with NEXMIF-related conditions. This variant is not present in population databases (gnomAD no frequency). This sequence change replaces arginine, which is basic and polar, with isoleucine, which is neutral and non-polar, at codon 487 of the NEXMIF protein (p.Arg487Ile).